The following is an entry in ClinVar:

NM_004817.4(TJP2):c.2230A>G (p.Met744Val)

Gene: TJP2 (tight junction protein 2; plus strand). Cytogenetic location: 9q21.11.
Variant type: single nucleotide variant.
Coding change: c.2230A>G on transcript NM_004817.4 (MANE Select); coding-DNA position 2230, A replaced by G.
Protein change: p.Met744Val; replaces methionine 744 with valine.
Molecular consequence: missense variant.
Genome position (GRCh38, 1-based): chr9:69,237,928, A>G. VCF-style: chr9-69237928-A-G. GRCh37 (hg19) VCF-style: chr9-71852844-A-G.
Other names: c.2161A>G, p.Met721Val (NM_001170414.2, NM_001369871.1); c.2242A>G, p.Met748Val (NM_001170415.1, NM_001369874.1, NM_001369875.1); c.2323A>G, p.Met775Val (NM_001170416.2); c.2155A>G, p.Met719Val (NM_001369870.1); c.2230A>G, p.Met744Val (NM_001369872.1, NM_001369873.1, NM_201629.3); short protein forms M719V, M721V, M744V, M748V, M775V.
Identifiers: ClinVar variation 1305061 (VCV001305061.2), dbSNP rs749647498, ClinGen allele CA5073612.

ClinVar aggregate classification (germline): Uncertain significance (1 of 4 stars; one submission).

Allele frequency attached by ClinVar (database versions not stated): gnomAD exomes below 0.00001 and 0.00002; ExAC 0.00001.
gnomAD v4.1: 31 of 1,613,996 alleles (0.0019%); highest among the groups gnomAD compares: Non-Finnish European, 0.0026%; no homozygotes.

Submission:

GeneDx
Classification: Uncertain significance. Last evaluated: 2019-04-16. Review status: criteria provided, single submitter. Criteria: GeneDx Variant Classification Process June 2021. Collection method: clinical testing. Allele origin: germline. Affected: yes.
Comment: In silico analysis, which includes protein predictors and evolutionary conservation, supports that this variant does not alter protein structure/function; Has not been previously published as pathogenic or benign to our knowledge